The following is an entry in ClinVar:

NM_001148.6(ANK2):c.11735G>A (p.Gly3912Asp)

Gene: ANK2 (ankyrin 2; plus strand). Cytogenetic location: 4q26.
Variant type: single nucleotide variant.
Coding change: c.11735G>A on transcript NM_001148.6 (MANE Select); coding-DNA position 11735, G replaced by A.
Protein change: p.Gly3912Asp; replaces glycine 3912 with aspartic acid.
Molecular consequence: missense variant. On other transcripts: intron variant (9).
Genome position (GRCh38, 1-based): chr4:113,373,325, G>A. VCF-style: chr4-113373325-G-A. GRCh37 (hg19) VCF-style: chr4-114294481-G-A.
Other names: c.5453G>A, p.Gly1818Asp (NM_001127493.3); c.5492G>A, p.Gly1831Asp (NM_001354225.2); c.5474G>A, p.Gly1825Asp (NM_001354228.2); c.5459G>A, p.Gly1820Asp (NM_001354230.2); c.5615G>A, p.Gly1872Asp (NM_001354231.2); c.5609G>A, p.Gly1870Asp (NM_001354232.2); c.5570G>A, p.Gly1857Asp (NM_001354235.2); c.5378G>A, p.Gly1793Asp (NM_001354236.2); and 50 more; short protein forms G1003D, G1010D, G1015D, G1666D, G1699D, G1727D, G1732D, G1740D.
Identifiers: ClinVar variation 1015444 (VCV001015444.5), dbSNP rs1421582181, ClinGen allele CA357943595.

ClinVar aggregate classification (germline): Uncertain significance (1 of 4 stars; one submission).

Conditions:
Long QT syndrome (LQTS). Identifiers: MedGen C0023976, MeSH D008133, MONDO:0002442. Disease mechanism: loss of function. Inheritance: Various modes of inheritance.

Allele frequency attached by ClinVar (database versions not stated): TOPMed below 0.00001; gnomAD 0.00001; gnomAD exomes 0.00001.
gnomAD v4.1: 7 of 1,613,962 alleles (0.00043%); highest among the groups gnomAD compares: African/African-American, 0.0013%; no homozygotes.

Submission:

Labcorp Genetics (formerly Invitae), Labcorp
Classification: Uncertain significance for Long QT syndrome. Last evaluated: 2020-02-19. Review status: criteria provided, single submitter. Criteria: Invitae Variant Classification Sherloc (09022015). Collection method: clinical testing. Allele origin: germline.
Comment: In summary, the available evidence is currently insufficient to determine the role of this variant in disease. Therefore, it has been classified as a Variant of Uncertain Significance. Algorithms developed to predict the effect of missense changes on protein structure and function are either unavailable or do not agree on the potential impact of this missense change (SIFT: "Deleterious"; PolyPhen-2: "Probably Damaging"; Align-GVGD: "Class C0"). This variant has not been reported in the literature in individuals with ANK2-related conditions. This variant is not present in population databases (ExAC no frequency). This sequence change replaces glycine with aspartic acid at codon 3912 of the ANK2 protein (p.Gly3912Asp). The glycine residue is highly conserved and there is a moderate physicochemical difference between glycine and aspartic acid.